The following is an entry in ClinVar:

NM_001379403.1(WDR26):c.318AGG[5] (p.Gly125del)

Gene: WDR26 (WD repeat domain 26; minus strand). Cytogenetic location: 1q42.12.
Variant type: Microsatellite.
Coding change: c.318AGG[5] on transcript NM_001379403.1 (MANE Select); five copies in a row of the 3-base unit AGG starting at c.318; the reference has six copies in a row; one copy, 3 bases deleted; also written c.333_335del.
Protein change: p.Gly125del; deletes glycine 125.
Molecular consequence: inframe deletion.
Genome position (GRCh38, 1-based): chr1:224,434,071-224,434,073, CCT deleted on the plus strand (AGG on the coding strand, the reverse complement: WDR26 is on the minus strand); deleting any 3 consecutive bases within chr1:224,434,071-224,434,088 gives the same sequence; the position shown is the placement nearest the transcript's 3' end. VCF-style (leftmost placement, unchanged base first): chr1-224434070-ACCT-A. GRCh37 (hg19) VCF-style: chr1-224621772-ACCT-A.
Other names: c.33_35delAGG (NM_025160.6); c.18AGG[5], p.Gly25del (NM_001115113.3, NM_025160.7); c.333_335del (NM_001379403.1); short protein forms G125del, G25del.
Identifiers: ClinVar variation 2428763 (VCV002428763.30), dbSNP rs768544588, ClinGen allele CA1415201.

ClinVar aggregate classification (germline): Benign/Likely benign. Review status: criteria provided, multiple submitters, no conflicts (2 of 4 stars). 4 submissions from 4 submitters: Benign (2); Likely benign (1). 1 of the submissions does not count toward it. Last evaluated 2024-11-26.

Conditions:
Skraban-Deardorff syndrome. Also called: INTELLECTUAL DISABILITY WITH SEIZURES, ABNORMAL GAIT, AND DISTINCTIVE FACIAL FEATURES; WDR26-Related Intellectual Disability. Identifiers: Orphanet 513456, MedGen C4539927, MONDO:0054636, OMIM 617616.
WDR26-related disorder. Also called: WDR26-related condition.

Submissions (4):

Blueprint Genetics
Classification: Likely benign. Last evaluated: 2024-11-26. Review status: criteria provided, single submitter. Criteria: ACMG Guidelines, 2015. Collection method: clinical testing. Allele origin: germline.

CeGaT Center for Human Genetics Tuebingen
Classification: Benign. Last evaluated: 2022-10-01. Review status: criteria provided, single submitter. Criteria: CeGaT Center For Human Genetics Tuebingen Variant Classification Criteria Version 2. Collection method: clinical testing. Allele origin: germline. Affected: yes. Observed: 1 variant allele.
Comment: WDR26: BS1, BS2

Pars Genome Lab
Classification: Benign for Skraban-Deardorff syndrome. Review status: criteria provided, single submitter. Criteria: ACMG Guidelines, 2015. Collection method: clinical testing. Allele origin: germline. Inheritance: Autosomal dominant inheritance. Affected: no.

PreventionGenetics, part of Exact Sciences
Classification: Benign for WDR26-related condition. Last evaluated: 2020-07-01. Review status: no assertion criteria provided. Collection method: clinical testing. Allele origin: germline. Not counted in ClinVar's aggregate classification.
Comment: This variant is classified as benign based on ACMG/AMP sequence variant interpretation guidelines (Richards et al. 2015 PMID: 25741868, with internal and published modifications).